The following is an entry in ClinVar:

ClinVar aggregate classification (germline): Pathogenic (1 of 4 stars; one submission).

Conditions:
Hereditary cancer-predisposing syndrome. Also called: Tumor predisposition; Neoplastic Syndromes, Hereditary; Hereditary Cancer Syndrome; Hereditary neoplastic syndrome. Identifiers: Orphanet 140162, MedGen C0027672, MeSH D009386, MONDO:0015356.

Submission:

Ambry Genetics
Classification: Pathogenic for Hereditary cancer-predisposing syndrome. Last evaluated: 2024-09-11. Review status: criteria provided, single submitter. Criteria: Ambry Variant Classification Scheme 2023. Collection method: clinical testing. Allele origin: germline.
Comment: The c.953_966del14 pathogenic mutation, located in coding exon 8 of the CHEK2 gene, results from a deletion of 14 nucleotides at nucleotide positions 953 to 966, causing a translational frameshift with a predicted alternate stop codon (p.R318Hfs*18). This variant is considered to be rare based on population cohorts in the Genome Aggregation Database (gnomAD). This alteration is expected to result in loss of function by premature protein truncation or nonsense-mediated mRNA decay. As such, this alteration is interpreted as a disease-causing mutation.

NM_007194.4(CHEK2):c.953_966del (p.Arg318fs)

Gene: CHEK2 (checkpoint kinase 2; minus strand). Cytogenetic location: 22q12.1.
Variant type: Deletion.
Coding change: c.953_966del on transcript NM_007194.4 (MANE Select); coding-DNA positions 953 to 966, 14 bases deleted (GCCTGAAAGAAGCT).
Protein change: p.Arg318fs; shifts the reading frame from arginine 318.
Molecular consequence: frameshift variant.
Genome position (GRCh38, 1-based): chr22:28,699,880-28,699,893, AGCTTCTTTCAGGC deleted on the plus strand (GCCTGAAAGAAGCT on the coding strand, the reverse complement: CHEK2 is on the minus strand). VCF-style (leftmost placement, unchanged base first): chr22-28699879-TAGCTTCTTTCAGGC-T. GRCh37 (hg19) VCF-style: chr22-29095867-TAGCTTCTTTCAGGC-T.
Other names: c.1082_1095delGCCTGAAAGAAGCT, p.Arg361Hisfs (NM_001005735.3); c.290_303delGCCTGAAAGAAGCT, p.Arg97Hisfs (NM_001257387.3); c.752_765delGCCTGAAAGAAGCT, p.Arg251Hisfs (NM_001349956.3); c.953_966delGCCTGAAAGAAGCT, p.Arg318Hisfs (NM_145862.3); short protein forms R97fs, R361fs, R251fs, R318fs.
Identifiers: ClinVar variation 3492189 (VCV003492189.1).
Genomic context (GRCh38, chr22:28,699,879, plus strand): 5'-AATTGAGGGCTTCTTTTACCTGCACAGCCAAGAGCATCTGGTAAAAATAGAGCTTGCAGG[TAGCTTCTTTCAGGC>T]GTTTATTCCCCACCACTTTGTCAAACAGCTCTCCCCCTTCCATCCTGAAACACAAAGGCA-3'